The following is an entry in ClinVar:

NM_000548.5(TSC2):c.2356-11G>C

Gene: TSC2 (TSC complex subunit 2; plus strand). Cytogenetic location: 16p13.3.
Variant type: single nucleotide variant.
Coding change: c.2356-11G>C on transcript NM_000548.5 (MANE Select); 11 bases into the intron before coding-DNA position 2356, G replaced by C.
Molecular consequence: intron variant.
Genome position (GRCh38, 1-based): chr16:2,074,189, G>C. VCF-style: chr16-2074189-G-C. GRCh37 (hg19) VCF-style: chr16-2124190-G-C.
Other names: c.1012-11G>C (NM_001406693.1, NM_001406689.1, NM_001406690.1 and 6 more transcripts); c.2446-11G>C (NM_001406667.1, NM_001406668.1); c.1756-11G>C (NM_001406680.1, NM_001406683.1, NM_001406687.1 and 6 more transcripts); c.754-11G>C (NM_001406698.1); c.2356-11G>C (NM_001114382.3, NM_001406663.1, NM_001406664.1 and 6 more transcripts); c.2344-11G>C (NM_001406671.1, NM_001406673.1); c.1894-11G>C (NM_001406681.1); c.2245-11G>C (NM_001406670.1, NM_001318827.2, NM_001406678.1); and 3 more.
Identifiers: ClinVar variation 2840166 (VCV002840166.5), dbSNP rs756976305, ClinGen allele CA038656.

ClinVar aggregate classification (germline): Likely benign. Review status: criteria provided, multiple submitters, no conflicts (2 of 4 stars). 3 submissions from 3 submitters: Likely benign (3). Last evaluated 2025-09-27.

Conditions:
Tuberous sclerosis 2 (TSC2). Identifiers: Orphanet 805, MedGen C1860707, MONDO:0013199, OMIM 613254.
Tuberous sclerosis syndrome (TSC). Also called: Tuberous Sclerosis Complex; Tuberous sclerosis. Identifiers: Orphanet 805, MedGen C0041341, MONDO:0001734.

Allele frequency attached by ClinVar (database versions not stated): ExAC 0.00001; gnomAD 0.00001; TOPMed 0.00001.
gnomAD v4.1: 6 of 1,610,552 alleles (0.00037%); highest among the groups gnomAD compares: South Asian, 0.0011%; no homozygotes.

Submissions (3):

Labcorp Genetics (formerly Invitae), Labcorp
Classification: Likely benign for Tuberous sclerosis 2. Last evaluated: 2025-09-27. Review status: criteria provided, single submitter. Criteria: Invitae Variant Classification Sherloc (09022015). Collection method: clinical testing. Allele origin: germline.

Myriad Genetics, Inc.
Classification: Likely benign for Tuberous sclerosis 2. Last evaluated: 2025-05-19. Review status: criteria provided, single submitter. Criteria: Myriad Autosomal Dominant, Autosomal Recessive and X-Linked Classification Criteria (2023). Collection method: clinical testing. Allele origin: unknown.
Comment: This variant is considered likely benign. This variant is intronic and is not expected to impact mRNA splicing.

All of Us Research Program, National Institutes of Health
Classification: Likely benign for Tuberous sclerosis syndrome. Last evaluated: 2023-06-26. Review status: criteria provided, single submitter. Criteria: ACMG Guidelines, 2015. Collection method: clinical testing. Allele origin: germline. Inheritance: Autosomal dominant inheritance. Observed: 1 variant allele, 1 heterozygote.
Comment: This study involves interpretation of variants in research participants for the purpose of population health screening. Participant phenotype was not available at the time of variant classification. Additional details can be found in publication PMID: 35346344, PMCID: PMC8962531